The following is an entry in ClinVar:

NM_014704.4(CEP104):c.182del (p.Leu61fs)

Gene: CEP104 (centrosomal protein 104; minus strand). Cytogenetic location: 1p36.32.
Variant type: Deletion.
Coding change: c.182del on transcript NM_014704.4 (MANE Select); coding-DNA position 182, one base deleted (T; older notation c.182delT).
Protein change: p.Leu61fs; shifts the reading frame from leucine 61.
Molecular consequence: frameshift variant.
Genome position (GRCh38, 1-based): chr1:3,848,713, A deleted on the plus strand (T on the coding strand, the reverse complement: CEP104 is on the minus strand); the first of 2 consecutive A bases (chr1:3,848,713-3,848,714); deleting either gives the same sequence. VCF-style (leftmost placement, unchanged base first): chr1-3848712-TA-T. GRCh37 (hg19) VCF-style: chr1-3765276-TA-T.
Other names: short protein forms L61fs.
Identifiers: ClinVar variation 1723370 (VCV001723370.1), dbSNP rs2525524433, ClinGen allele CA2580062511.

ClinVar aggregate classification (germline): Likely pathogenic (1 of 4 stars; one submission).

Conditions:
Joubert syndrome and related disorders. Identifiers: Orphanet 140874, MedGen C5679612, MONDO:0015369.

Submission:

Women's Health and Genetics/Laboratory Corporation of America, LabCorp
Classification: Likely pathogenic for Joubert syndrome and related disorders. Last evaluated: 2022-10-22. Review status: criteria provided, single submitter. Criteria: LabCorp Variant Classification Summary - May 2015. Collection method: clinical testing. Allele origin: germline.
Comment: Variant summary: CEP104 c.182delT (p.Leu61TyrfsX7) results in a premature termination codon, predicted to cause a truncation of the encoded protein or absence of the protein due to nonsense mediated decay, which are commonly known mechanisms for disease. Truncations downstream of this position have been classified as pathogenic within ClinVar (e.g. c.759T>G [p.Tyr253Ter]). The variant was absent in 251106 control chromosomes (gnomAD). To our knowledge, no occurrence of c.182delT in individuals affected with Joubert Syndrome And Related Disorders and no experimental evidence demonstrating its impact on protein function have been reported. No clinical diagnostic laboratories have submitted clinical-significance assessments for this variant to ClinVar after 2014. Based on the evidence outlined above, the variant was classified as likely pathogenic.